The following is an entry in ClinVar:

ClinVar aggregate classification (germline): Uncertain significance (1 of 4 stars; one submission).

Conditions:
Galactosylceramide beta-galactosidase deficiency. Also called: Leukodystrophy, Globoid Cell; Krabbe Disease; GALACTOCEREBROSIDASE DEFICIENCY; GALC DEFICIENCY; GLOBOID CELL LEUKOENCEPHALOPATHY. Identifiers: Orphanet 487, MedGen C0023521, MONDO:0009499, OMIM 245200.

gnomAD v4.1: 30 of 1,537,402 alleles (0.002%); highest among the groups gnomAD compares: Non-Finnish European, 0.0026%; no homozygotes.

Submission:

Labcorp Genetics (formerly Invitae), Labcorp
Classification: Uncertain significance for Galactosylceramide beta-galactosidase deficiency. Last evaluated: 2024-11-05. Review status: criteria provided, single submitter. Criteria: Invitae Variant Classification Sherloc (09022015). Collection method: clinical testing. Allele origin: germline.
Comment: This sequence change replaces phenylalanine, which is neutral and non-polar, with tyrosine, which is neutral and polar, at codon 55 of the GALC protein (p.Phe55Tyr). This variant is present in population databases (no rsID available, gnomAD 0.002%). This variant has not been reported in the literature in individuals affected with GALC-related conditions. Invitae Evidence Modeling of protein sequence and biophysical properties (such as structural, functional, and spatial information, amino acid conservation, physicochemical variation, residue mobility, and thermodynamic stability) indicates that this missense variant is expected to disrupt GALC protein function with a positive predictive value of 95%. In summary, the available evidence is currently insufficient to determine the role of this variant in disease. Therefore, it has been classified as a Variant of Uncertain Significance.

NM_000153.4(GALC):c.164T>A (p.Phe55Tyr)

Genes: GALC (galactosylceramidase; minus strand), LOC130056217 (ATAC-STARR-seq lymphoblastoid silent region 5988; plus strand). Cytogenetic location: 14q31.3.
Variant type: single nucleotide variant.
Coding change: c.164T>A on transcript NM_000153.4 (MANE Select); coding-DNA position 164, T replaced by A.
Protein change: p.Phe55Tyr; replaces phenylalanine 55 with tyrosine.
Molecular consequence: missense variant. On other transcripts: 5 prime UTR variant (3), non-coding transcript variant (1), intron variant (2).
Genome position (GRCh38, 1-based): chr14:87,993,001, A>T on the plus strand (T>A on the coding strand, the complement: GALC is on the minus strand). VCF-style: chr14-87993001-A-T. GRCh37 (hg19) VCF-style: chr14-88459345-A-T.
Other names: c.164T>A, p.Phe55Tyr (NM_001201401.2); c.-107T>A (NM_001424072.1); c.-273T>A (NM_001424075.1); c.-504T>A (NM_001424077.1); c.-473+382T>A (NM_001424076.1); c.117+382T>A (NM_001201402.2); short protein forms F55Y.
Identifiers: ClinVar variation 3612631 (VCV003612631.2).